The following is an entry in ClinVar:

ClinVar aggregate classification (germline): Likely benign. Review status: criteria provided, multiple submitters, no conflicts (2 of 4 stars). 3 submissions from 3 submitters: Likely benign (3). Last evaluated 2026-01-22.

Conditions:
Sucrase-isomaltase deficiency (CSID). Also called: Congenital sucrose isomaltose malabsorption; Sucrose isomaltose enzyme deficiency; Deficiency of isomaltase; SI DEFICIENCY. Identifiers: Orphanet 35122, MedGen C1283620, MONDO:0009114, OMIM 222900.

Allele frequency attached by ClinVar (database versions not stated): gnomAD exomes 0.00010 and 0.00051; 1000 Genomes Project 30x 0.00016; gnomAD 0.00016; 1000 Genomes Project 0.00020; TOPMed 0.00037; ExAC 0.00049.
gnomAD v4.1: 156 of 1,551,156 alleles (0.01%); highest among the groups gnomAD compares: Admixed American, 0.27%; 1 homozygote.

Submissions (3):

Labcorp Genetics (formerly Invitae), Labcorp
Classification: Likely benign. Last evaluated: 2026-01-22. Review status: criteria provided, single submitter. Criteria: Invitae Variant Classification Sherloc (09022015). Collection method: clinical testing. Allele origin: germline.

Fulgent Genetics
Classification: Likely benign for Sucrase-isomaltase deficiency. Last evaluated: 2021-11-29. Review status: criteria provided, single submitter. Criteria: ACMG Guidelines, 2015. Collection method: clinical testing. Allele origin: unknown.

GeneDx
Classification: Likely benign. Last evaluated: 2020-04-22. Review status: criteria provided, single submitter. Criteria: GeneDx Variant Classification Process June 2021. Collection method: clinical testing. Allele origin: germline. Affected: yes.
Comment: In silico analysis supports that this missense variant does not alter protein structure/function; Has not been previously published as pathogenic or benign to our knowledge

NM_001041.4(SI):c.5245C>A (p.Gln1749Lys)

Gene: SI (sucrase-isomaltase; minus strand). Cytogenetic location: 3q26.1.
Variant type: single nucleotide variant.
Coding change: c.5245C>A on transcript NM_001041.4 (MANE Select); coding-DNA position 5245, C replaced by A.
Protein change: p.Gln1749Lys; replaces glutamine 1749 with lysine.
Molecular consequence: missense variant.
Genome position (GRCh38, 1-based): chr3:164,983,004, G>T on the plus strand (C>A on the coding strand, the complement: SI is on the minus strand). VCF-style: chr3-164983004-G-T. GRCh37 (hg19) VCF-style: chr3-164700792-G-T.
Other names: short protein forms Q1749K.
Identifiers: ClinVar variation 1125936 (VCV001125936.13), dbSNP rs187532711, ClinGen allele CA2689593.
Genomic context (GRCh38, chr3:164,983,004, plus strand): 5'-CCCAGCTGTGAACTTCAAATATTCCTTAACAGAATTGCATATAAATAATCTTACATACCT[G>T]GTTTAAATTAAATTGTACAGATAAATATAGGTCTCTTTCATAGGTGTCTGTAGAGAGAGA-3'
Protein context (NP_001032.2, residues 1739-1759): LYLSVQFNLN[Gln1749Lys]TTLTSTILKR